The following is an entry in ClinVar:

ClinVar aggregate classification (germline): Uncertain significance (1 of 4 stars; one submission).

Conditions:
Cardiovascular phenotype. Identifiers: MedGen CN230736.

gnomAD v4.1: 1 of 1,614,062 alleles (0.000062%); highest among the groups gnomAD compares: East Asian, 0.0022%; no homozygotes.

Submission:

Ambry Genetics
Classification: Uncertain significance for Cardiovascular phenotype. Last evaluated: 2025-02-01. Review status: criteria provided, single submitter. Criteria: Ambry Variant Classification Scheme 2023. Collection method: clinical testing. Allele origin: germline.
Comment: The p.I2963T variant (also known as c.8888T>C), located in coding exon 26 of the APOB gene, results from a T to C substitution at nucleotide position 8888. The isoleucine at codon 2963 is replaced by threonine, an amino acid with similar properties. This amino acid position is conserved. In addition, this alteration is predicted to be tolerated by in silico analysis. Based on the available evidence, the clinical significance of this variant remains unclear.

NM_000384.3(APOB):c.8888T>C (p.Ile2963Thr)

Gene: APOB (apolipoprotein B; minus strand). Cytogenetic location: 2p24.1.
Variant type: single nucleotide variant.
Coding change: c.8888T>C on transcript NM_000384.3 (MANE Select); coding-DNA position 8888, T replaced by C.
Protein change: p.Ile2963Thr; replaces isoleucine 2963 with threonine.
Molecular consequence: missense variant.
Genome position (GRCh38, 1-based): chr2:21,007,980, A>G on the plus strand (T>C on the coding strand, the complement: APOB is on the minus strand). VCF-style: chr2-21007980-A-G. GRCh37 (hg19) VCF-style: chr2-21230852-A-G.
Other names: short protein forms I2963T.
Identifiers: ClinVar variation 3885222 (VCV003885222.1).
Genomic context (GRCh38, chr2:21,007,980, plus strand): 5'-AAGTTGAGGGAGCCAGATTCATAAACCAAGTTTTGGTTTACTCTTAGGTGTTTGCTATTG[A>G]TCTTATTGGACAGTCCAAAGGAAGTGAGGGGTCCTTCTATGGTGAAACTAATTTGTGATT-3'
Protein context (NP_000375.3, residues 2953-2973): PLTSFGLSNK[Ile2963Thr]NSKHLRVNQN